The following is an entry in ClinVar:

ClinVar aggregate classification (germline): Likely benign. Review status: criteria provided, multiple submitters, no conflicts (2 of 4 stars). 4 submissions from 4 submitters: Likely benign (3). 1 of the submissions does not count toward it. Last evaluated 2026-06-01.

Conditions:
ESR1-related disorder. Also called: ESR1-related condition.

Allele frequency attached by ClinVar (database versions not stated): gnomAD exomes 0.00017 and 0.00082; ExAC 0.00030; TOPMed 0.00067; 1000 Genomes Project 0.00160; gnomAD 0.00168; 1000 Genomes Project 30x 0.00172.

Submissions (4):

CeGaT Center for Human Genetics Tuebingen
Classification: Likely benign. Last evaluated: 2026-06-01. Review status: criteria provided, single submitter. Criteria: CeGaT Center For Human Genetics Tuebingen Variant Classification Criteria Version 2. Collection method: clinical testing. Allele origin: germline. Affected: yes. Observed: 1 variant allele.
Comment: ESR1: BP4, BP7, BS2

Labcorp Genetics (formerly Invitae), Labcorp
Classification: Likely benign. Last evaluated: 2019-12-31. Review status: criteria provided, single submitter. Criteria: Invitae Variant Classification Sherloc (09022015). Collection method: clinical testing. Allele origin: germline.

Breakthrough Genomics
Classification: Likely benign. Review status: criteria provided, single submitter. Criteria: ACMG Guidelines, 2015. Collection method: not provided. Allele origin: germline. Inheritance: Autosomal recessive inheritance. Affected: yes.

PreventionGenetics, part of Exact Sciences
Classification: Likely benign for ESR1-related condition. Last evaluated: 2019-08-01. Review status: no assertion criteria provided. Collection method: clinical testing. Allele origin: germline. Not counted in ClinVar's aggregate classification.
Comment: This variant is classified as likely benign based on ACMG/AMP sequence variant interpretation guidelines (Richards et al. 2015 PMID: 25741868, with internal and published modifications).

NM_000125.4(ESR1):c.315G>A (p.Pro105=)

Gene: ESR1 (estrogen receptor 1; plus strand). Cytogenetic location: 6q25.1.
Variant type: single nucleotide variant.
Coding change: c.315G>A on transcript NM_000125.4 (MANE Select); coding-DNA position 315, G replaced by A.
Protein change: p.Pro105=; no amino-acid change (proline 105 retained).
Molecular consequence: synonymous variant.
Genome position (GRCh38, 1-based): chr6:151,808,227, G>A. VCF-style: chr6-151808227-G-A. GRCh37 (hg19) VCF-style: chr6-152129362-G-A.
Other names: c.315G>A, p.Pro105= (NM_001122740.2, NM_001122741.2, NM_001122742.2 and 7 more transcripts).
Identifiers: ClinVar variation 719711 (VCV000719711.9), dbSNP rs181468071, ClinGen allele CA4052145.